The following is an entry in ClinVar:

ClinVar aggregate classification (germline): Likely benign (1 of 4 stars; one submission).

Allele frequency attached by ClinVar (database versions not stated): 1000 Genomes Project 30x 0.00250; 1000 Genomes Project 0.00260; ExAC 0.00294; gnomAD 0.00361; TOPMed 0.00371; ESP Exome Variant Server 0.00406; gnomAD exomes 0.00443.
gnomAD v4.1: 7,014 of 1,612,194 alleles (0.44%); highest among the groups gnomAD compares: Non-Finnish European, 0.52%; 24 homozygotes.

Submission:

CeGaT Center for Human Genetics Tuebingen
Classification: Likely benign. Last evaluated: 2022-05-01. Review status: criteria provided, single submitter. Criteria: CeGaT Center For Human Genetics Tuebingen Variant Classification Criteria Version 2. Collection method: clinical testing. Allele origin: germline. Affected: yes. Observed: 1 variant allele.
Comment: HAVCR1: BP4, BP7

NM_001173393.3(HAVCR1):c.145A>C (p.Arg49=)

Gene: HAVCR1 (hepatitis A virus cellular receptor 1; minus strand). Cytogenetic location: 5q33.3.
Variant type: single nucleotide variant.
Coding change: c.145A>C on transcript NM_001173393.3 (MANE Select); coding-DNA position 145, A replaced by C.
Protein change: p.Arg49=; no amino-acid change (arginine 49 retained).
Molecular consequence: synonymous variant.
Genome position (GRCh38, 1-based): chr5:157,055,435, T>G on the plus strand (A>C on the coding strand, the complement: HAVCR1 is on the minus strand). VCF-style: chr5-157055435-T-G. GRCh37 (hg19) VCF-style: chr5-156482446-T-G.
Other names: c.145A>C, p.Arg49= (NM_001308156.2, NM_012206.3).
Identifiers: ClinVar variation 2655987 (VCV002655987.24), dbSNP rs141773914, ClinGen allele CA3531681.